The following is an entry in ClinVar:

ClinVar aggregate classification (germline): Uncertain significance. Review status: criteria provided, multiple submitters, no conflicts (2 of 4 stars). 2 submissions from 2 submitters: Uncertain significance (2). Last evaluated 2025-10-07.

Conditions:
Inborn genetic diseases. Identifiers: MedGen C0950123, MeSH D030342.

Allele frequency attached by ClinVar (database versions not stated): TOPMed below 0.00001; gnomAD 0.00001.

Submissions (2):

Labcorp Genetics (formerly Invitae), Labcorp
Classification: Uncertain significance. Last evaluated: 2025-10-07. Review status: criteria provided, single submitter. Criteria: Invitae Variant Classification Sherloc (09022015). Collection method: clinical testing. Allele origin: germline.
Comment: This sequence change replaces glycine, which is neutral and non-polar, with serine, which is neutral and polar, at codon 290 of the PRDM13 protein (p.Gly290Ser). The frequency data for this variant in the population databases is considered unreliable, as metrics indicate poor data quality at this position in the gnomAD database. This variant has not been reported in the literature in individuals affected with PRDM13-related conditions. ClinVar contains an entry for this variant (Variation ID: 1518058). An algorithm developed to predict the effect of missense changes on protein structure and function (PolyPhen-2) suggests that this variant is likely to be disruptive. In summary, the available evidence is currently insufficient to determine the role of this variant in disease. Therefore, it has been classified as a Variant of Uncertain Significance.

Ambry Genetics
Classification: Uncertain significance for Inborn genetic diseases. Last evaluated: 2025-08-01. Review status: criteria provided, single submitter. Criteria: Ambry Variant Classification Scheme 2023. Collection method: clinical testing. Allele origin: germline.

NM_021620.4(PRDM13):c.868G>A (p.Gly290Ser)

Gene: PRDM13 (PR/SET domain 13; plus strand). Cytogenetic location: 6q16.2.
Variant type: single nucleotide variant.
Coding change: c.868G>A on transcript NM_021620.4 (MANE Select); coding-DNA position 868, G replaced by A.
Protein change: p.Gly290Ser; replaces glycine 290 with serine.
Molecular consequence: missense variant.
Genome position (GRCh38, 1-based): chr6:99,613,503, G>A. VCF-style: chr6-99613503-G-A. GRCh37 (hg19) VCF-style: chr6-100061379-G-A.
Other names: c.868G>A (NM_021620.3); short protein forms G290S.
Identifiers: ClinVar variation 1518058 (VCV001518058.9), dbSNP rs759718681, ClinGen allele CA3936291.